The following is an entry in ClinVar:

ClinVar aggregate classification (germline): Uncertain significance (1 of 4 stars; one submission).

Submission:

Labcorp Genetics (formerly Invitae), Labcorp
Classification: Uncertain significance. Last evaluated: 2023-09-17. Review status: criteria provided, single submitter. Criteria: Invitae Variant Classification Sherloc (09022015). Collection method: clinical testing. Allele origin: germline.
Comment: This variant has not been reported in the literature in individuals affected with DNM1L-related conditions. An algorithm developed to predict the effect of missense changes on protein structure and function (PolyPhen-2) suggests that this variant is likely to be tolerated. In summary, the available evidence is currently insufficient to determine the role of this variant in disease. Therefore, it has been classified as a Variant of Uncertain Significance. This variant is not present in population databases (gnomAD no frequency). This sequence change replaces isoleucine, which is neutral and non-polar, with threonine, which is neutral and polar, at codon 610 of the DNM1L protein (p.Ile610Thr).

NM_012062.5(DNM1L):c.1829T>C (p.Ile610Thr)

Gene: DNM1L (dynamin 1 like; plus strand). Cytogenetic location: 12p11.21.
Variant type: single nucleotide variant.
Coding change: c.1829T>C on transcript NM_012062.5 (MANE Select); coding-DNA position 1829, T replaced by C.
Protein change: p.Ile610Thr; replaces isoleucine 610 with threonine.
Molecular consequence: missense variant.
Genome position (GRCh38, 1-based): chr12:32,740,185, T>C. VCF-style: chr12-32740185-T-C. GRCh37 (hg19) VCF-style: chr12-32893119-T-C.
Other names: c.1796T>C, p.Ile599Thr (NM_001278463.2); c.1868T>C, p.Ile623Thr (NM_001278464.2); c.1835T>C, p.Ile612Thr (NM_001278465.2); c.1220T>C, p.Ile407Thr (NM_001278466.2); c.1757T>C, p.Ile586Thr (NM_001330380.2); c.1718T>C, p.Ile573Thr (NM_005690.5); c.1751T>C, p.Ile584Thr (NM_012063.4); short protein forms I584T, I623T, I407T, I573T, I586T, I610T, I599T, I612T.
Identifiers: ClinVar variation 2761353 (VCV002761353.3), dbSNP rs2541121478, ClinGen allele CA384362999.
Genomic context (GRCh38, chr12:32,740,185, plus strand): 5'-GAGGAATGCTGAAAACTTCAAAAGCTGAAGAGTTATTAGCAGAAGAAAAATCAAAACCCA[T>C]TCCAATTATGCCAGCCAGTCCACAAAAAGGTCATGCCGTGAACCTGCTAGATGTGGTAAG-3'
Protein context (NP_036192.2, residues 600-620): ELLAEEKSKP[Ile610Thr]PIMPASPQKG